The following is an entry in ClinVar:

NM_006019.4(TCIRG1):c.1682delinsTT (p.Gly561fs)

Gene: TCIRG1 (T cell immune regulator 1, ATPase H+ transporting V0 subunit a3; plus strand). Cytogenetic location: 11q13.2.
Variant type: Indel.
Coding change: c.1682delinsTT on transcript NM_006019.4 (MANE Select); coding-DNA position 1682, G replaced by TT.
Protein change: p.Gly561fs; shifts the reading frame from glycine 561.
Molecular consequence: frameshift variant.
Genome position (GRCh38, 1-based): chr11:68,049,089, G replaced by TT. VCF-style: chr11-68049089-G-TT. GRCh37 (hg19) VCF-style: chr11-67816556-G-TT.
Other names: c.788delinsTT, p.Gly263fs (NM_001351059.2); c.1034delinsTT, p.Gly345fs (NM_006053.4); c.1682delinsTT (NM_006019.3); short protein forms G263fs, G345fs, G561fs.
Identifiers: ClinVar variation 4763850 (VCV004763850.2).

ClinVar aggregate classification (germline): Pathogenic/Likely pathogenic. Review status: criteria provided, multiple submitters, no conflicts (2 of 4 stars). 2 submissions from 2 submitters: Pathogenic (1); Likely pathogenic (1). Last evaluated 2025-11-12.

Conditions:
Autosomal recessive osteopetrosis 1. Also called: TCIRG1-Related Autosomal Recessive Osteopetrosis; ALBERS-SCHONBERG DISEASE, AUTOSOMAL RECESSIVE; TCIRG1-Related Osteopetrosis. Identifiers: Orphanet 667, MedGen C1850127, MONDO:0009815, OMIM 259700.

Submissions (2):

Natera, Inc.
Classification: Likely pathogenic for Infantile malignant osteopetrosis. Last evaluated: 2025-11-12. Review status: criteria provided, single submitter. Criteria: Natera Variant Classification Schema (03/2026). Collection method: clinical testing. Allele origin: germline.
Comment: The c.1682delinsTT variant in TCIRG1 is a frameshift variant predicted to shift the reading frame beginning at codon 561 and leads to a stop codon 109 codons downstream. This variant is expected to result in nonsense mediated decay, truncation, or a dysfunctional protein product. This variant is rare in the general population with a frequency below the threshold expected for the associated phenotype(s). Given the available evidence, this variant is classified as Likely Pathogenic.

Labcorp Genetics (formerly Invitae), Labcorp
Classification: Pathogenic. Last evaluated: 2023-11-24. Review status: criteria provided, single submitter. Criteria: Invitae Variant Classification Sherloc (09022015). Collection method: clinical testing. Allele origin: germline.
Comment: This sequence change creates a premature translational stop signal (p.Gly561Valfs*109) in the TCIRG1 gene. It is expected to result in an absent or disrupted protein product. Loss-of-function variants in TCIRG1 are known to be pathogenic (PMID: 10888887, 10942435, 11532986, 19448635). Information on the frequency of this variant in the gnomAD database is not available, as this variant may be reported differently in the database. This premature translational stop signal has been observed in individual(s) with osteopetrosis (PMID: 31949009). ClinVar contains an entry for this variant (Variation ID: 2010031). For these reasons, this variant has been classified as Pathogenic.

Literature cited by the submitters: PubMed 10888887 (cited by Labcorp Genetics (formerly Invitae), Labcorp); PubMed 10942435 (cited by Labcorp Genetics (formerly Invitae), Labcorp); PubMed 11532986 (cited by Labcorp Genetics (formerly Invitae), Labcorp); PubMed 19448635 (cited by Labcorp Genetics (formerly Invitae), Labcorp); PubMed 31949009 (cited by Labcorp Genetics (formerly Invitae), Labcorp).